The following is an entry in ClinVar:

NM_017654.4(SAMD9):c.652G>C (p.Glu218Gln)

Gene: SAMD9 (sterile alpha motif domain containing 9; minus strand). Cytogenetic location: 7q21.2.
Variant type: single nucleotide variant.
Coding change: c.652G>C on transcript NM_017654.4 (MANE Select); coding-DNA position 652, G replaced by C.
Protein change: p.Glu218Gln; replaces glutamic acid 218 with glutamine.
Molecular consequence: missense variant.
Genome position (GRCh38, 1-based): chr7:93,105,446, C>G on the plus strand (G>C on the coding strand, the complement: SAMD9 is on the minus strand). VCF-style: chr7-93105446-C-G. GRCh37 (hg19) VCF-style: chr7-92734759-C-G.
Other names: c.652G>C, p.Glu218Gln (NM_001193307.2); short protein forms E218Q.
Identifiers: ClinVar variation 3792007 (VCV003792007.1).

ClinVar aggregate classification (germline): Uncertain significance (1 of 4 stars; one submission).

Conditions:
Inborn genetic diseases. Identifiers: MedGen C0950123, MeSH D030342.

Submission:

Ambry Genetics
Classification: Uncertain significance for Inborn genetic diseases. Last evaluated: 2025-01-17. Review status: criteria provided, single submitter. Criteria: Ambry Variant Classification Scheme 2023. Collection method: clinical testing. Allele origin: germline.
Comment: The p.E218Q variant (also known as c.652G>C), located in coding exon 1 of the SAMD9 gene, results from a G to C substitution at nucleotide position 652. The glutamic acid at codon 218 is replaced by glutamine, an amino acid with highly similar properties. This amino acid position is conserved. In addition, the in silico prediction for this alteration is inconclusive. Based on the available evidence, the clinical significance of this variant remains unclear.